The following is an entry in ClinVar:

NM_001042492.3(NF1):c.3103A>G (p.Met1035Val)

Gene: NF1 (neurofibromin 1; plus strand). Cytogenetic location: 17q11.2.
Variant type: single nucleotide variant.
Coding change: c.3103A>G on transcript NM_001042492.3 (MANE Select); coding-DNA position 3103, A replaced by G.
Protein change: p.Met1035Val; replaces methionine 1035 with valine.
Molecular consequence: missense variant.
Genome position (GRCh38, 1-based): chr17:31,230,372, A>G. VCF-style: chr17-31230372-A-G. GRCh37 (hg19) VCF-style: chr17-29557390-A-G.
Other names: c.3103A>G, p.Met1035Val (NM_000267.4); short protein forms M1035V.
Identifiers: ClinVar variation 220267 (VCV000220267.18), dbSNP rs771694969, ClinGen allele CA349155.
Genomic context (GRCh38, chr17:31,230,372, plus strand): 5'-CTGTGTCAATTAGTTGAAGTAATGATGGCAAGGAGAGATGACCTCTCATTTTGCCAAGAG[A>G]TGAAATTTAGGTGAGTTCTCAAAAGAGCAATGTAGGGTCTTGTAAATCTTAATATGTCCA-3'
Protein context (NP_001035957.1, residues 1025-1045): RRDDLSFCQE[Met1035Val]KFRNKMVEYL

ClinVar aggregate classification (germline): Conflicting classifications of pathogenicity. Review status: criteria provided, conflicting classifications (1 of 4 stars). 8 submissions from 7 submitters: Uncertain significance (7); Likely benign (1). Last evaluated 2026-01-13.

Conditions:
Hereditary cancer-predisposing syndrome. Also called: Tumor predisposition; Hereditary neoplastic syndrome; Neoplastic Syndromes, Hereditary; Hereditary Cancer Syndrome. Identifiers: Orphanet 140162, MedGen C0027672, MeSH D009386, MONDO:0015356.
Cardiovascular phenotype. Identifiers: MedGen CN230736.
Neurofibromatosis-Noonan syndrome (NFNS). Also called: NEUROFIBROMATOSIS WITH NOONAN PHENOTYPE. Identifiers: Orphanet 638, MedGen C2931482, MONDO:0011035, OMIM 601321. Disease mechanism: loss of function.
Café-au-lait macules with pulmonary stenosis (WTSN). Also called: PULMONIC STENOSIS WITH CAFE-AU-LAIT SPOTS. Identifiers: MedGen C0553586, MONDO:0008672, OMIM 193520.
Neurofibromatosis, familial spinal (FSNF). Identifiers: Orphanet 636, MedGen C1834235, MONDO:0008078, OMIM 162210. Disease mechanism: loss of function.
Juvenile myelomonocytic leukemia (JMML). Also called: LEUKEMIA, JUVENILE MYELOMONOCYTIC, SOMATIC. Identifiers: Orphanet 86834, MedGen C0349639, MONDO:0011908, OMIM 607785, HP:0012209.
Neurofibromatosis, type 1 (NF1). Also called: Peripheral type neurofibromatosis; NEUROFIBROMATOSIS, TYPE I, SOMATIC; Neurofibromatosis, type I; VON RECKLINGHAUSEN DISEASE. Identifiers: Orphanet 636, MedGen C0027831, MONDO:0018975, OMIM 162200. Disease mechanism: loss of function.

Allele frequency attached by ClinVar (database versions not stated): ExAC 0.00001; gnomAD 0.00001; gnomAD exomes 0.00001.

Submissions (8):

Labcorp Genetics (formerly Invitae), Labcorp
Classification: Likely benign for Neurofibromatosis, type 1. Last evaluated: 2026-01-13. Review status: criteria provided, single submitter. Criteria: Invitae Variant Classification Sherloc (09022015). Collection method: clinical testing. Allele origin: germline.

Fulgent Genetics
Classification: Uncertain significance for Neurofibromatosis, type 1; Neurofibromatosis, familial spinal; Café-au-lait macules with pulmonary stenosis; Neurofibromatosis-Noonan syndrome; Juvenile myelomonocytic leukemia. Last evaluated: 2024-06-06. Review status: criteria provided, single submitter. Criteria: ACMG Guidelines, 2015. Collection method: clinical testing. Allele origin: germline.

Ambry Genetics
Classification: Uncertain significance for Cardiovascular phenotype; Hereditary cancer-predisposing syndrome. Last evaluated: 2022-07-19. Review status: criteria provided, single submitter. Criteria: Ambry Variant Classification Scheme 2023. Collection method: clinical testing. Allele origin: germline.

GeneDx
Classification: Uncertain significance. Last evaluated: 2022-07-01. Review status: criteria provided, single submitter. Criteria: GeneDx Variant Classification Process June 2021. Collection method: clinical testing. Allele origin: germline. Affected: yes.
Comment: Reported in individuals with suspected or clinically diagnosed neurofibromatosis type 1 (Rodenhiser et al., 1997; Castellanos et al., 2020); In silico analysis supports that this missense variant does not alter protein structure/function; This variant is associated with the following publications: (PMID: 31573083, 9042399, 25486365, 2121369)

Genome-Nilou Lab
Classification: Uncertain significance for Neurofibromatosis, type 1. Last evaluated: 2022-03-15. Review status: criteria provided, single submitter. Criteria: ACMG Guidelines, 2015. Collection method: clinical testing. Allele origin: germline. Affected: no.

CENTOGENE GmbH and LLC - Guiding Precision Medicine
Classification: Uncertain significance for Neurofibromatosis, type 1. Last evaluated: 2021-06-04. Review status: criteria provided, single submitter. Criteria: ACMG Guidelines, 2015. Collection method: clinical testing. Allele origin: paternal. Affected: yes.

Baylor Genetics
Classification: Uncertain significance for Neurofibromatosis, type 1. Last evaluated: 2020-07-14. Review status: criteria provided, single submitter. Criteria: ACMG Guidelines, 2015. Collection method: clinical testing. Allele origin: maternal. Affected: yes. Study: CSER-TexasKidsCanSeq.
Comment: This variant was determined to be of uncertain significance according to ACMG Guidelines, 2015 [PMID:25741868].

Ambry Genetics
Classification: Uncertain significance for Hereditary cancer-predisposing syndrome. Last evaluated: 2016-03-17. Review status: criteria provided, single submitter. Criteria: Ambry Autosomal Dominant and X-Linked criteria (10/2015). Collection method: clinical testing. Allele origin: germline. Observed: 1 variant allele.
Comment: The p.M1035V variant (also known as c.3103A>G), located in coding exon 23 of the NF1 gene, results from an A to G substitution at nucleotide position 3103. The methionine at codon 1035 is replaced by valine, an amino acid with highly similar properties. This variant was not reported in population based cohorts in the following databases: Database of Single Nucleotide Polymorphisms (dbSNP), NHLBI Exome Sequencing Project (ESP), and 1000 Genomes Project. In the ESP, this variant was not observed in 6500 samples (13000 alleles) with coverage at this position. To date, this alteration has been detected with an allele frequency of approximately 0.001% (greater than 110000alleles tested) in our clinical cohort.This amino acid position is highly conserved in available vertebrate species. In addition, the in silico prediction for this alteration is inconclusive.Since supporting evidence is limited at this time, the clinical significance of this alteration remains unclear.